The following is an entry in ClinVar:

ClinVar aggregate classification (germline): Likely benign (1 of 4 stars; one submission).

Conditions:
PDE3A-related disorder. Also called: PDE3A-related condition.

Submission:

PreventionGenetics, part of Exact Sciences
Classification: Likely benign for PDE3A-related condition. Last evaluated: 2026-06-12. Review status: criteria provided, single submitter. Criteria: ACMG Guidelines, 2015. Collection method: clinical testing. Allele origin: germline.
Comment: This variant is classified as likely benign based on ACMG/AMP sequence variant interpretation guidelines (Richards et al. 2015 PMID: 25741868, with internal and published modifications).

NM_000921.5(PDE3A):c.175C>A (p.Arg59=)

Genes: PDE3A (phosphodiesterase 3A; plus strand), PDE3A-AS1 (PDE3A antisense RNA 1; minus strand). Cytogenetic location: 12p12.2.
Variant type: single nucleotide variant.
Coding change: c.175C>A on transcript NM_000921.5 (MANE Select); coding-DNA position 175, C replaced by A.
Protein change: p.Arg59=; no amino-acid change (arginine 59 retained).
Molecular consequence: synonymous variant. On other transcripts: 5 prime UTR variant (1).
Genome position (GRCh38, 1-based): chr12:20,369,459, C>A. VCF-style: chr12-20369459-C-A. GRCh37 (hg19) VCF-style: chr12-20522393-C-A.
Other names: c.175C>A, p.Arg59= (NM_001378407.1); c.-854C>A (NM_001378408.1).
Identifiers: ClinVar variation 4995566 (VCV004995566.1).